The following is an entry in ClinVar:

ClinVar aggregate classification (germline): Uncertain significance (1 of 4 stars; one submission).

Conditions:
Adams-Oliver syndrome 5 (AOS5). Identifiers: Orphanet 974, MedGen C4014970, MONDO:0014459, OMIM 616028.

Submission:

Labcorp Genetics (formerly Invitae), Labcorp
Classification: Uncertain significance for Adams-Oliver syndrome 5. Last evaluated: 2024-10-24. Review status: criteria provided, single submitter. Criteria: Invitae Variant Classification Sherloc (09022015). Collection method: clinical testing. Allele origin: germline.
Comment: This sequence change replaces alanine, which is neutral and non-polar, with proline, which is neutral and non-polar, at codon 2256 of the NOTCH1 protein (p.Ala2256Pro). This variant is not present in population databases (gnomAD no frequency). This variant has not been reported in the literature in individuals affected with NOTCH1-related conditions. Invitae Evidence Modeling of protein sequence and biophysical properties (such as structural, functional, and spatial information, amino acid conservation, physicochemical variation, residue mobility, and thermodynamic stability) indicates that this missense variant is not expected to disrupt NOTCH1 protein function with a negative predictive value of 80%. In summary, the available evidence is currently insufficient to determine the role of this variant in disease. Therefore, it has been classified as a Variant of Uncertain Significance.

NM_017617.5(NOTCH1):c.6766G>C (p.Ala2256Pro)

Gene: NOTCH1 (notch receptor 1; minus strand). Cytogenetic location: 9q34.3.
Variant type: single nucleotide variant.
Coding change: c.6766G>C on transcript NM_017617.5 (MANE Select); coding-DNA position 6766, G replaced by C.
Protein change: p.Ala2256Pro; replaces alanine 2256 with proline.
Molecular consequence: missense variant.
Genome position (GRCh38, 1-based): chr9:136,496,973, C>G on the plus strand (G>C on the coding strand, the complement: NOTCH1 is on the minus strand). VCF-style: chr9-136496973-C-G. GRCh37 (hg19) VCF-style: chr9-139391425-C-G.
Other names: short protein forms A2256P.
Identifiers: ClinVar variation 3630768 (VCV003630768.2).
Genomic context (GRCh38, chr9:136,496,973, plus strand): 5'-GGTGGGAGAGACGAGGTGGGCCAGTCTCAAAGGCCAGCCGGCCGCCCCCACCCAGCGCCG[C>G]CATCTCGGGCTTGGCCGCCACGTTCAGGTGCCCGATGCCCAGGTGGGTGTCGGGCATCCC-3'
Protein context (NP_060087.3, residues 2246-2266): HLNVAAKPEM[Ala2256Pro]ALGGGGRLAF